The following is an entry in ClinVar:

ClinVar aggregate classification (germline): Pathogenic. Review status: criteria provided, multiple submitters, no conflicts (2 of 4 stars). 7 submissions from 6 submitters: Pathogenic (7). Last evaluated 2025-08-11.

Conditions:
ABCA4-related disorder. Also called: ABCA4-related condition; ABCA4-related disorders. Identifiers: MedGen CN239167.
Severe early-childhood-onset retinal dystrophy (STGD1). Also called: Stargardt macular dystrophy; Juvenile onset macular degeneration; Stargardt disease 1; STGD; MACULAR DYSTROPHY WITH FLECKS, TYPE 1. Identifiers: Orphanet 364055, Orphanet 827, MedGen C1855465, MeSH D000080362, MONDO:0009549, OMIM 248200.
Retinal dystrophy. Also called: Inherited retinal dystrophy. Identifiers: Orphanet 71862, MedGen C0854723, MeSH D058499, MONDO:0019118, HP:0000556.
Cone-rod dystrophy 3 (CORD3). Identifiers: Orphanet 1872, MedGen C1858806, MONDO:0011395, OMIM 604116.
Age related macular degeneration 2. Also called: MACULOPATHY, AGE-RELATED; MACULAR DEGENERATION, SENILE; MACULOPATHY, AGE-RELATED, 2. Identifiers: MedGen C3495438, MONDO:0007932, OMIM 153800.
Retinitis pigmentosa 19 (RP19). Also called: ABCA4-Related Retinitis Pigmentosa. Identifiers: Orphanet 791, MedGen C1866422, MONDO:0011137, OMIM 601718.

Allele frequency attached by ClinVar (database versions not stated): TOPMed below 0.00001.
gnomAD v4.1: 1 of 1,614,238 alleles (0.000062%); highest among the groups gnomAD compares: Non-Finnish European, 0.000085%; no homozygotes.

Submissions (7):

Labcorp Genetics (formerly Invitae), Labcorp
Classification: Pathogenic. Last evaluated: 2025-08-11. Review status: criteria provided, single submitter. Criteria: Invitae Variant Classification Sherloc (09022015). Collection method: clinical testing. Allele origin: germline.
Comment: This sequence change creates a premature translational stop signal (p.Tyr362*) in the ABCA4 gene. It is expected to result in an absent or disrupted protein product. Loss-of-function variants in ABCA4 are known to be pathogenic (PMID: 10958761, 24938718, 25312043, 26780318). This variant is not present in population databases (gnomAD no frequency). This premature translational stop signal has been observed in individuals with Stargardt disease (PMID: 10958763, 29925512). ClinVar contains an entry for this variant (Variation ID: 236078). For these reasons, this variant has been classified as Pathogenic.

GeneDx
Classification: Pathogenic. Last evaluated: 2025-06-05. Review status: criteria provided, single submitter. Criteria: GeneDx Variant Classification Process June 2021. Collection method: clinical testing. Allele origin: germline. Affected: yes.
Comment: Not observed at significant frequency in large population cohorts (gnomAD); Nonsense variant predicted to result in protein truncation or nonsense mediated decay in a gene for which loss of function is a known mechanism of disease; This variant is associated with the following publications: (PMID: 12192456, 18214793, 28118664, 35120629, 32307445, 29925512, 26377081, 37734845, 19074458, 10958763, 16540294, 17485292, 25525159, 24550365, 38309476)

Fulgent Genetics
Classification: Pathogenic for Age related macular degeneration 2; Severe early-childhood-onset retinal dystrophy; Retinitis pigmentosa 19; Cone-rod dystrophy 3. Last evaluated: 2024-04-29. Review status: criteria provided, single submitter. Criteria: ACMG Guidelines, 2015. Collection method: clinical testing. Allele origin: germline.

Blueprint Genetics
Classification: Pathogenic for ABCA4-related disorders. Last evaluated: 2023-08-15. Review status: criteria provided, single submitter. Criteria: ACMG Guidelines, 2015. Collection method: clinical testing. Allele origin: germline. Affected: yes. Observed: 5 variant alleles.

Institute of Human Genetics, Univ. Regensburg, Univ. Regensburg
Classification: Pathogenic for Retinal dystrophy. Last evaluated: 2023-01-01. Review status: criteria provided, single submitter. Criteria: ACMG Guidelines, 2015. Collection method: clinical testing. Allele origin: germline. Affected: yes.

Institute of Medical Genetics and Applied Genomics, University Hospital Tübingen
Classification: Pathogenic. Last evaluated: 2020-10-23. Review status: criteria provided, single submitter. Criteria: ACMG Guidelines, 2015. Collection method: clinical testing. Allele origin: germline. Inheritance: Unknown mechanism. Affected: yes.

Institute of Human Genetics, Univ. Regensburg, Univ. Regensburg
Classification: Pathogenic for Severe early-childhood-onset retinal dystrophy. Last evaluated: 2016-01-01. Review status: criteria provided, single submitter. Criteria: Schulz et al. (Invest Ophthalmol Vis Sci. 2017). Collection method: clinical testing. Allele origin: germline. Affected: yes. Observed: 1 heterozygote.

Literature cited by the submitters: PubMed 10958761 (cited by Labcorp Genetics (formerly Invitae), Labcorp); PubMed 24938718 (cited by Labcorp Genetics (formerly Invitae), Labcorp); PubMed 25312043 (cited by Labcorp Genetics (formerly Invitae), Labcorp); PubMed 26780318 (cited by Labcorp Genetics (formerly Invitae), Labcorp); PubMed 10958763 (cited by Labcorp Genetics (formerly Invitae), Labcorp and Institute of Human Genetics, Univ. Regensburg, Univ. Regensburg); PubMed 29925512 (cited by Labcorp Genetics (formerly Invitae), Labcorp and Institute of Human Genetics, Univ. Regensburg, Univ. Regensburg); PubMed 19074458 (cited by Institute of Human Genetics, Univ. Regensburg, Univ. Regensburg); PubMed 25525159 (cited by Institute of Human Genetics, Univ. Regensburg, Univ. Regensburg); PubMed 32307445 (cited by Institute of Human Genetics, Univ. Regensburg, Univ. Regensburg); PubMed 26377081 (cited by Institute of Human Genetics, Univ. Regensburg, Univ. Regensburg).

NM_000350.3(ABCA4):c.1086T>A (p.Tyr362Ter)

Gene: ABCA4 (ATP binding cassette subfamily A member 4; minus strand). Cytogenetic location: 1p22.1.
Variant type: single nucleotide variant.
Coding change: c.1086T>A on transcript NM_000350.3 (MANE Select); coding-DNA position 1086, T replaced by A.
Protein change: p.Tyr362Ter; replaces tyrosine 362 with a stop codon.
Molecular consequence: nonsense.
Genome position (GRCh38, 1-based): chr1:94,080,491, A>T on the plus strand (T>A on the coding strand, the complement: ABCA4 is on the minus strand). VCF-style: chr1-94080491-A-T. GRCh37 (hg19) VCF-style: chr1-94546047-A-T.
Other names: c.1086T>A, p.Tyr362Ter (NM_001425324.1); short protein forms Y362*.
Identifiers: ClinVar variation 236078 (VCV000236078.17), dbSNP rs61752390, ClinGen allele CA10602451.
Genomic context (GRCh38, chr1:94,080,491, plus strand): 5'-TAACCAACATGAGAGGCCAATTTATAAGCAGGACTCAGAAAACTTACTTGTTCTTCTGTC[A>T]TAAGAATAGATAGGATCCTTCCTTGTGGAGTCAATCCCCAGAAAGGCCTTATAGTTATTG-3'